The following is an entry in ClinVar:

NM_000288.4(PEX7):c.418-1G>C

Gene: PEX7 (peroxisomal biogenesis factor 7; plus strand). Cytogenetic location: 6q23.3.
Variant type: single nucleotide variant.
Coding change: c.418-1G>C on transcript NM_000288.4 (MANE Select); the canonical splice acceptor site of the intron before coding-DNA position 418, G replaced by C.
Molecular consequence: splice acceptor variant.
Genome position (GRCh38, 1-based): chr6:136,846,072, G>C. VCF-style: chr6-136846072-G-C. GRCh37 (hg19) VCF-style: chr6-137167210-G-C.
Other names: c.304-1G>C (NM_001410945.1).
Identifiers: ClinVar variation 843768 (VCV000843768.9), dbSNP rs773406384, ClinGen allele CA4017613.

ClinVar aggregate classification (germline): Likely pathogenic (1 of 4 stars; one submission).

Conditions:
Peroxisome biogenesis disorder 9B. Also called: PEX7-Related Refsum Disease; Refsum disease, adult, 2; PEROXISOME BIOGENESIS DISORDER, PEX7-RELATED, ATYPICAL. Identifiers: Orphanet 773, MedGen C2749346, MONDO:0013945, OMIM 614879.

gnomAD v4.1: 1 of 1,592,122 alleles (0.000063%); highest among the groups gnomAD compares: Admixed American, 0.0017%; no homozygotes.

Submission:

Labcorp Genetics (formerly Invitae), Labcorp
Classification: Likely pathogenic for Peroxisome biogenesis disorder 9B. Last evaluated: 2019-12-28. Review status: criteria provided, single submitter. Criteria: Invitae Variant Classification Sherloc (09022015). Collection method: clinical testing. Allele origin: germline.
Comment: In summary, the currently available evidence indicates that the variant is pathogenic, but additional data are needed to prove that conclusively. Therefore, this variant has been classified as Likely Pathogenic. Donor and acceptor splice site variants typically lead to a loss of protein function (PMID: 16199547), and loss-of-function variants in PEX7 are known to be pathogenic (PMID: 12325024, 12522768, 20301447). Algorithms developed to predict the effect of sequence changes on RNA splicing suggest that this variant may disrupt the consensus splice site, but this prediction has not been confirmed by published transcriptional studies. This variant has not been reported in the literature in individuals with PEX7-related conditions. This variant is present in population databases (rs773406384, ExAC 0.009%). This sequence change affects an acceptor splice site in intron 4 of the PEX7 gene. It is expected to disrupt RNA splicing and likely results in an absent or disrupted protein product.

Literature cited by the submitters: PubMed 16199547; PubMed 12325024; PubMed 12522768; PubMed 20301447.